The following is an entry in ClinVar:

ClinVar aggregate classification (germline): Uncertain significance. Review status: criteria provided, multiple submitters, no conflicts (2 of 4 stars). 3 submissions from 3 submitters: Uncertain significance (3). Last evaluated 2025-01-21.

Conditions:
Inborn genetic diseases. Identifiers: MedGen C0950123, MeSH D030342.

Allele frequency attached by ClinVar (database versions not stated): gnomAD 0.00001; TOPMed 0.00003.
gnomAD v4.1: 2 of 1,612,712 alleles (0.00012%); highest among the groups gnomAD compares: African/African-American, 0.0027%; no homozygotes.

Submissions (3):

Dasa
Classification: Uncertain significance. Last evaluated: 2025-01-21. Review status: criteria provided, single submitter. Criteria: DASA Assertion Criteria. Collection method: clinical testing. Allele origin: germline.
Comment: NM_015192.4(PLCB1):c.73G>C (p.Gly25Arg) is a missense variant that results in the substitution of glycine with arginine. This variant is rare in population databases. Computational prediction algorithms are consistent with a deleterious effect. The currently available literature and clinical evidence are not sufficient to establish a definitive association between this variant and the reported condition. Therefore, this variant is classified as a variant of uncertain significance.

Ambry Genetics
Classification: Uncertain significance for Inborn genetic diseases. Last evaluated: 2017-10-12. Review status: criteria provided, single submitter. Criteria: Ambry Variant Classification Scheme 2023. Collection method: clinical testing. Allele origin: germline.
Comment: The p.G25R variant (also known as c.73G>C), located in coding exon 1 of the PLCB1 gene, results from a G to C substitution at nucleotide position 73. The glycine at codon 25 is replaced by arginine, an amino acid with dissimilar properties. This amino acid position is highly conserved in available vertebrate species. In addition, this alteration is predicted to be deleterious by in silico analysis. Since supporting evidence is limited at this time, the clinical significance of this alteration remains unclear.

Eurofins Ntd Llc (ga)
Classification: Uncertain significance. Last evaluated: 2015-06-02. Review status: criteria provided, single submitter. Criteria: EGL Classification Definitions 2015. Collection method: clinical testing. Allele origin: germline. Observed: 1 variant allele, 1 heterozygote.

NM_015192.4(PLCB1):c.73G>C (p.Gly25Arg)

Gene: PLCB1 (phospholipase C beta 1; plus strand). Cytogenetic location: 20p12.3.
Variant type: single nucleotide variant.
Coding change: c.73G>C on transcript NM_015192.4 (MANE Select); coding-DNA position 73, G replaced by C.
Protein change: p.Gly25Arg; replaces glycine 25 with arginine.
Molecular consequence: missense variant.
Genome position (GRCh38, 1-based): chr20:8,132,724, G>C. VCF-style: chr20-8132724-G-C. GRCh37 (hg19) VCF-style: chr20-8113371-G-C.
Other names: c.73G>C, p.Gly25Arg (NM_182734.3); short protein forms G25R.
Identifiers: ClinVar variation 193380 (VCV000193380.11), dbSNP rs753543778, ClinGen allele CA238900.